The following is an entry in ClinVar:

ClinVar aggregate classification (germline): Uncertain significance (1 of 4 stars; one submission).

Allele frequency attached by ClinVar (database versions not stated): gnomAD exomes below 0.00001; gnomAD 0.00001.
gnomAD v4.1: 4 of 1,610,054 alleles (0.00025%); highest among the groups gnomAD compares: Non-Finnish European, 0.00034%; no homozygotes.

Submission:

Labcorp Genetics (formerly Invitae), Labcorp
Classification: Uncertain significance. Last evaluated: 2024-06-25. Review status: criteria provided, single submitter. Criteria: Invitae Variant Classification Sherloc (09022015). Collection method: clinical testing. Allele origin: germline.
Comment: This sequence change replaces valine, which is neutral and non-polar, with isoleucine, which is neutral and non-polar, at codon 979 of the DNA2 protein (p.Val979Ile). This variant is present in population databases (no rsID available, gnomAD 0.0009%). This variant has not been reported in the literature in individuals affected with DNA2-related conditions. Advanced modeling of protein sequence and biophysical properties (such as structural, functional, and spatial information, amino acid conservation, physicochemical variation, residue mobility, and thermodynamic stability) performed at Invitae indicates that this missense variant is not expected to disrupt DNA2 protein function with a negative predictive value of 80%. In summary, the available evidence is currently insufficient to determine the role of this variant in disease. Therefore, it has been classified as a Variant of Uncertain Significance.

NM_001080449.3(DNA2):c.2935G>A (p.Val979Ile)

Gene: DNA2 (DNA replication helicase/nuclease 2; minus strand). Cytogenetic location: 10q21.3.
Variant type: single nucleotide variant.
Coding change: c.2935G>A on transcript NM_001080449.3 (MANE Select); coding-DNA position 2935, G replaced by A.
Protein change: p.Val979Ile; replaces valine 979 with isoleucine.
Molecular consequence: missense variant. On other transcripts: non-coding transcript variant (1).
Genome position (GRCh38, 1-based): chr10:68,419,066, C>T on the plus strand (G>A on the coding strand, the complement: DNA2 is on the minus strand). VCF-style: chr10-68419066-C-T. GRCh37 (hg19) VCF-style: chr10-70178823-C-T.
Other names: short protein forms V979I.
Identifiers: ClinVar variation 2904976 (VCV002904976.3), dbSNP rs1452019317, ClinGen allele CA376841096.